The following is an entry in ClinVar:

ClinVar aggregate classification (germline): Benign/Likely benign. Review status: criteria provided, multiple submitters, no conflicts (2 of 4 stars). 2 submissions from 2 submitters: Benign (1); Likely benign (1). Last evaluated 2023-03-01.

Allele frequency attached by ClinVar (database versions not stated): 1000 Genomes Project 0.00319; 1000 Genomes Project 30x 0.00344; ESP Exome Variant Server 0.00409; gnomAD 0.00409 and 0.00410; TOPMed 0.00420; gnomAD exomes 0.00468 and 0.00525; ExAC 0.00500.
gnomAD v4.1: 7,615 of 1,614,038 alleles (0.47%); highest among the groups gnomAD compares: Middle Eastern, 3.7%; 48 homozygotes.

Submissions (2):

CeGaT Center for Human Genetics Tuebingen
Classification: Likely benign. Last evaluated: 2023-03-01. Review status: criteria provided, single submitter. Criteria: CeGaT Center For Human Genetics Tuebingen Variant Classification Criteria Version 2. Collection method: clinical testing. Allele origin: germline. Affected: yes. Observed: 2 variant alleles.
Comment: TNS3: BP4, BP7, BS2

Labcorp Genetics (formerly Invitae), Labcorp
Classification: Benign. Last evaluated: 2019-12-31. Review status: criteria provided, single submitter. Criteria: Invitae Variant Classification Sherloc (09022015). Collection method: clinical testing. Allele origin: germline.

NM_022748.12(TNS3):c.1461G>A (p.Leu487=)

Gene: TNS3 (tensin 3; minus strand). Cytogenetic location: 7p12.3.
Variant type: single nucleotide variant.
Coding change: c.1461G>A on transcript NM_022748.12 (MANE Select); coding-DNA position 1461, G replaced by A.
Protein change: p.Leu487=; no amino-acid change (leucine 487 retained).
Molecular consequence: synonymous variant.
Genome position (GRCh38, 1-based): chr7:47,369,185, C>T on the plus strand (G>A on the coding strand, the complement: TNS3 is on the minus strand). VCF-style: chr7-47369185-C-T. GRCh37 (hg19) VCF-style: chr7-47408782-C-T.
Identifiers: ClinVar variation 771158 (VCV000771158.28), dbSNP rs143062302, ClinGen allele CA4250905.